The following is an entry in ClinVar:

NM_014855.3(AP5Z1):c.1689C>A (p.Phe563Leu)

Gene: AP5Z1 (adaptor related protein complex 5 subunit zeta 1; plus strand). Cytogenetic location: 7p22.1.
Variant type: single nucleotide variant.
Coding change: c.1689C>A on transcript NM_014855.3 (MANE Select); coding-DNA position 1689, C replaced by A.
Protein change: p.Phe563Leu; replaces phenylalanine 563 with leucine.
Molecular consequence: missense variant. On other transcripts: non-coding transcript variant (1).
Genome position (GRCh38, 1-based): chr7:4,788,933, C>A. VCF-style: chr7-4788933-C-A. GRCh37 (hg19) VCF-style: chr7-4828564-C-A.
Other names: c.1221C>A, p.Phe407Leu (NM_001364858.1); c.1689C>A (NM_014855.2); short protein forms F407L, F563L.
Identifiers: ClinVar variation 1489469 (VCV001489469.4), dbSNP rs757247884, ClinGen allele CA4137974.

ClinVar aggregate classification (germline): Uncertain significance. Review status: criteria provided, multiple submitters, no conflicts (2 of 4 stars). 2 submissions from 2 submitters: Uncertain significance (2). Last evaluated 2025-07-01.

Conditions:
Inborn genetic diseases. Identifiers: MedGen C0950123, MeSH D030342.
Hereditary spastic paraplegia 48. Also called: SPASTIC PARAPLEGIA 48, AUTOSOMAL RECESSIVE; Spastic paraplegia 48. Identifiers: Orphanet 306511, MedGen C3150901, MONDO:0013342, OMIM 613647.

Submissions (2):

Ambry Genetics
Classification: Uncertain significance for Inborn genetic diseases. Last evaluated: 2025-07-01. Review status: criteria provided, single submitter. Criteria: Ambry Variant Classification Scheme 2023. Collection method: clinical testing. Allele origin: germline.

Labcorp Genetics (formerly Invitae), Labcorp
Classification: Uncertain significance for Hereditary spastic paraplegia 48. Last evaluated: 2022-08-23. Review status: criteria provided, single submitter. Criteria: Invitae Variant Classification Sherloc (09022015). Collection method: clinical testing. Allele origin: germline.
Comment: This sequence change replaces phenylalanine, which is neutral and non-polar, with leucine, which is neutral and non-polar, at codon 563 of the AP5Z1 protein (p.Phe563Leu). The frequency data for this variant in the population databases is considered unreliable, as metrics indicate poor data quality at this position in the gnomAD database. This variant has not been reported in the literature in individuals affected with AP5Z1-related conditions. ClinVar contains an entry for this variant (Variation ID: 1489469). Algorithms developed to predict the effect of missense changes on protein structure and function are either unavailable or do not agree on the potential impact of this missense change (SIFT: "Deleterious"; PolyPhen-2: "Benign"; Align-GVGD: "Class C0"). In summary, the available evidence is currently insufficient to determine the role of this variant in disease. Therefore, it has been classified as a Variant of Uncertain Significance.